The following is an entry in ClinVar:

NM_001370298.3(FGD4):c.2030T>G (p.Ile677Ser)

Gene: FGD4 (FYVE, RhoGEF and PH domain containing 4; plus strand). Cytogenetic location: 12p11.21.
Variant type: single nucleotide variant.
Coding change: c.2030T>G on transcript NM_001370298.3 (MANE Select); coding-DNA position 2030, T replaced by G.
Protein change: p.Ile677Ser; replaces isoleucine 677 with serine.
Molecular consequence: missense variant.
Genome position (GRCh38, 1-based): chr12:32,625,052, T>G. VCF-style: chr12-32625052-T-G. GRCh37 (hg19) VCF-style: chr12-32777986-T-G.
Other names: c.1874T>G, p.Ile625Ser (NM_001304481.2); c.875T>G, p.Ile292Ser (NM_001304483.2); c.587T>G, p.Ile196Ser (NM_001304484.2); c.1340T>G, p.Ile447Ser (NM_001330373.2, NM_001330374.2, NM_001384130.1); c.1067T>G, p.Ile356Ser (NM_001370297.1); c.2030T>G, p.Ile677Ser (NM_001384126.1); c.1619T>G, p.Ile540Ser (NM_001384127.1, NM_001384128.1, NM_001385118.1 and 1 more transcripts); short protein forms I447S, I292S, I540S, I196S, I625S, I356S, I677S.
Identifiers: ClinVar variation 847739 (VCV000847739.9), dbSNP rs760696455, ClinGen allele CA384367083.

ClinVar aggregate classification (germline): Uncertain significance (1 of 4 stars; one submission).

Conditions:
Charcot-Marie-Tooth disease type 4. Also called: Charcot-Marie-Tooth disease, type IV; Charcot-Marie-Tooth, Type 4. Identifiers: Orphanet 64749, MedGen C4082197, MONDO:0018995.

Submission:

Labcorp Genetics (formerly Invitae), Labcorp
Classification: Uncertain significance for Charcot-Marie-Tooth disease type 4. Last evaluated: 2019-03-12. Review status: criteria provided, single submitter. Criteria: Invitae Variant Classification Sherloc (09022015). Collection method: clinical testing. Allele origin: germline.
Comment: In summary, the available evidence is currently insufficient to determine the role of this variant in disease. Therefore, it has been classified as a Variant of Uncertain Significance. Algorithms developed to predict the effect of missense changes on protein structure and function output the following: SIFT: "Deleterious"; PolyPhen-2: "Benign"; Align-GVGD: "Class C65". The serine amino acid residue is found in multiple mammalian species, suggesting that this missense change does not adversely affect protein function. These predictions have not been confirmed by published functional studies and their clinical significance is uncertain. This variant has not been reported in the literature in individuals with FGD4-related conditions. This variant is not present in population databases (ExAC no frequency). This sequence change replaces isoleucine with serine at codon 540 of the FGD4 protein (p.Ile540Ser). The isoleucine residue is moderately conserved and there is a large physicochemical difference between isoleucine and serine.